The following is an entry in ClinVar:

ClinVar aggregate classification (germline): Uncertain significance. Review status: criteria provided, multiple submitters, no conflicts (2 of 4 stars). 2 submissions from 2 submitters: Uncertain significance (2). Last evaluated 2025-02-14.

Conditions:
Inborn genetic diseases. Identifiers: MedGen C0950123, MeSH D030342.
Polyhydramnios, megalencephaly, and symptomatic epilepsy (PMSE). Also called: PMSE SYNDROME. Identifiers: Orphanet 500533, MedGen C1970203, MONDO:0012611, OMIM 611087.

gnomAD v4.1: 7 of 1,614,020 alleles (0.00043%); highest among the groups gnomAD compares: East Asian, 0.0022%; no homozygotes.

Submissions (2):

Ambry Genetics
Classification: Uncertain significance for Inborn genetic diseases. Last evaluated: 2025-02-14. Review status: criteria provided, single submitter. Criteria: Ambry Variant Classification Scheme 2023. Collection method: clinical testing. Allele origin: germline.

Labcorp Genetics (formerly Invitae), Labcorp
Classification: Uncertain significance for Polyhydramnios, megalencephaly, and symptomatic epilepsy. Last evaluated: 2019-11-12. Review status: criteria provided, single submitter. Criteria: Invitae Variant Classification Sherloc (09022015). Collection method: clinical testing. Allele origin: germline.
Comment: This sequence change replaces arginine with leucine at codon 13 of the STRADA protein (p.Arg13Leu). The arginine residue is moderately conserved and there is a moderate physicochemical difference between arginine and leucine. This variant is present in population databases (rs528919447, ExAC 0.01%). This variant has not been reported in the literature in individuals with STRADA-related conditions. Algorithms developed to predict the effect of missense changes on protein structure and function are either unavailable or do not agree on the potential impact of this missense change (SIFT: "Deleterious"; PolyPhen-2: "Probably Damaging"; Align-GVGD: "Class C0"). In summary, the available evidence is currently insufficient to determine the role of this variant in disease. Therefore, it has been classified as a Variant of Uncertain Significance.

NM_001003787.4(STRADA):c.38G>T (p.Arg13Leu)

Gene: STRADA (STE20 related adaptor alpha; minus strand). Cytogenetic location: 17q23.3.
Variant type: single nucleotide variant.
Coding change: c.38G>T on transcript NM_001003787.4 (MANE Select); coding-DNA position 38, G replaced by T.
Protein change: p.Arg13Leu; replaces arginine 13 with leucine.
Molecular consequence: missense variant. On other transcripts: 5 prime UTR variant (3), non-coding transcript variant (1), intron variant (5).
Genome position (GRCh38, 1-based): chr17:63,726,694, C>A on the plus strand (G>T on the coding strand, the complement: STRADA is on the minus strand). VCF-style: chr17-63726694-C-A. GRCh37 (hg19) VCF-style: chr17-61804054-C-A.
Other names: c.-108G>T (NM_001003788.3, NM_001363790.1, NM_001363791.1); c.38G>T, p.Arg13Leu (NM_001165970.2, NM_001363788.1); c.14G>T, p.Arg5Leu (NM_001363786.1); c.12+1664G>T (NM_001363789.1, NM_001003786.3, NM_153335.6); c.36+1640G>T (NM_001165969.2, NM_001363787.1); short protein forms R13L, R5L.
Identifiers: ClinVar variation 965964 (VCV000965964.9), dbSNP rs528919447, ClinGen allele CA8703531.